The following is an entry in ClinVar:

NM_024341.3(ZNF557):c.708C>T (p.Tyr236=)

Genes: ZNF557 (zinc finger protein 557; plus strand), LOC129391046 (MPRA-validated peak3313 silencer; plus strand). Cytogenetic location: 19p13.2.
Variant type: single nucleotide variant.
Coding change: c.708C>T on transcript NM_024341.3 (MANE Select); coding-DNA position 708, C replaced by T.
Protein change: p.Tyr236=; no amino-acid change (tyrosine 236 retained).
Molecular consequence: synonymous variant.
Genome position (GRCh38, 1-based): chr19:7,083,159, C>T. VCF-style: chr19-7083159-C-T. GRCh37 (hg19) VCF-style: chr19-7083170-C-T.
Other names: c.708C>T, p.Tyr236= (NM_001044387.2); c.687C>T, p.Tyr229= (NM_001044388.2).
Identifiers: ClinVar variation 2649151 (VCV002649151.24), dbSNP rs199689984, ClinGen allele CA9134911.

ClinVar aggregate classification (germline): Likely benign (1 of 4 stars; one submission).

Allele frequency attached by ClinVar (database versions not stated): ExAC 0.00128; gnomAD 0.00139; TOPMed 0.00156; ESP Exome Variant Server 0.00170; 1000 Genomes Project 0.00200; 1000 Genomes Project 30x 0.00219.

Submission:

CeGaT Center for Human Genetics Tuebingen
Classification: Likely benign. Last evaluated: 2022-11-01. Review status: criteria provided, single submitter. Criteria: CeGaT Center For Human Genetics Tuebingen Variant Classification Criteria Version 2. Collection method: clinical testing. Allele origin: germline. Affected: yes. Observed: 1 variant allele.
Comment: ZNF557: BP4, BP7